The following is an entry in ClinVar:

NM_000137.4(FAH):c.553+2del

Gene: FAH (fumarylacetoacetate hydrolase; plus strand). Cytogenetic location: 15q25.1.
Variant type: Deletion.
Coding change: c.553+2del on transcript NM_000137.4 (MANE Select); the canonical splice donor site of the intron after coding-DNA position 553, one base deleted (T; older notation c.553+2delT).
Molecular consequence: splice donor variant.
Genome position (GRCh38, 1-based): chr15:80,168,151, T deleted. VCF-style (leftmost placement, unchanged base first): chr15-80168150-GT-G. GRCh37 (hg19) VCF-style: chr15-80460492-GT-G.
Other names: c.553+2del (NM_001374377.1, NM_001374380.1).
Identifiers: ClinVar variation 2123218 (VCV002123218.4), dbSNP rs2505850316, ClinGen allele CA2580090053.

ClinVar aggregate classification (germline): Likely pathogenic (1 of 4 stars; one submission).

Conditions:
Tyrosinemia type I (TYRSN1). Also called: HEPATORENAL TYROSINEMIA; Tyrosinemia type 1; Fumarylacetoacetase deficiency; Deficiency of fumarylacetoacetase; FAH DEFICIENCY. Identifiers: Orphanet 882, MedGen C0268490, MONDO:0010161, OMIM 276700. Disease mechanism: loss of function.

Submission:

Labcorp Genetics (formerly Invitae), Labcorp
Classification: Likely pathogenic for Tyrosinemia type I. Last evaluated: 2022-08-20. Review status: criteria provided, single submitter. Criteria: Invitae Variant Classification Sherloc (09022015). Collection method: clinical testing. Allele origin: germline.
Comment: In summary, the currently available evidence indicates that the variant is pathogenic, but additional data are needed to prove that conclusively. Therefore, this variant has been classified as Likely Pathogenic. Algorithms developed to predict the effect of sequence changes on RNA splicing suggest that this variant may disrupt the consensus splice site. This variant has not been reported in the literature in individuals affected with FAH-related conditions. This variant is not present in population databases (gnomAD no frequency). This sequence change affects a splice site in intron 6 of the FAH gene. It is expected to disrupt RNA splicing. Variants that disrupt the donor or acceptor splice site typically lead to a loss of protein function (PMID: 16199547), and loss-of-function variants in FAH are known to be pathogenic (PMID: 9101289, 9633815).

Literature cited by the submitters: PubMed 16199547; PubMed 9101289; PubMed 9633815.